The following is an entry in ClinVar:

ClinVar aggregate classification (germline): Likely benign. Review status: criteria provided, multiple submitters, no conflicts (2 of 4 stars). 2 submissions from 2 submitters: Likely benign (2). Last evaluated 2026-07-01.

Allele frequency attached by ClinVar (database versions not stated): 1000 Genomes Project 0.00140; 1000 Genomes Project 30x 0.00141; TOPMed 0.00342; gnomAD 0.00364; ESP Exome Variant Server 0.00366; ExAC 0.00437.
gnomAD v4.1: 8,125 of 1,597,656 alleles (0.51%); highest among the groups gnomAD compares: Non-Finnish European, 0.63%; 29 homozygotes.

Submissions (2):

CeGaT Center for Human Genetics Tuebingen
Classification: Likely benign. Last evaluated: 2026-07-01. Review status: criteria provided, single submitter. Criteria: CeGaT Center For Human Genetics Tuebingen Variant Classification Criteria Version 2. Collection method: clinical testing. Allele origin: germline. Affected: yes. Observed: 19 variant alleles.
Comment: BRD4: BS2

Blueprint Genetics
Classification: Likely benign. Last evaluated: 2024-11-22. Review status: criteria provided, single submitter. Criteria: ACMG Guidelines, 2015. Collection method: clinical testing. Allele origin: germline.

NM_001379291.1(BRD4):c.2158+510C>G

Gene: BRD4 (bromodomain containing 4; minus strand). Cytogenetic location: 19p13.12.
Variant type: single nucleotide variant.
Coding change: c.2158+510C>G on transcript NM_001379291.1 (MANE Select); 510 bases into the intron after coding-DNA position 2158, C replaced by G.
Molecular consequence: intron variant. On other transcripts: missense variant (1).
Genome position (GRCh38, 1-based): chr19:15,253,642, G>C on the plus strand (C>G on the coding strand, the complement: BRD4 is on the minus strand). VCF-style: chr19-15253642-G-C. GRCh37 (hg19) VCF-style: chr19-15364453-G-C.
Other names: c.2300C>G, p.Ser767Cys (NM_001330384.2); c.2158+510C>G (NM_058243.3, NM_001379292.1, NM_014299.3); short protein forms S767C.
Identifiers: ClinVar variation 2571035 (VCV002571035.28), dbSNP rs149982995, ClinGen allele CA9265125.